The following is an entry in ClinVar:

NM_024529.5(CDC73):c.1238A>C (p.Gln413Pro)

Gene: CDC73 (cell division cycle 73; plus strand). Cytogenetic location: 1q31.2.
Variant type: single nucleotide variant.
Coding change: c.1238A>C on transcript NM_024529.5 (MANE Select); coding-DNA position 1238, A replaced by C.
Protein change: p.Gln413Pro; replaces glutamine 413 with proline.
Molecular consequence: missense variant.
Genome position (GRCh38, 1-based): chr1:193,233,076, A>C. VCF-style: chr1-193233076-A-C. GRCh37 (hg19) VCF-style: chr1-193202206-A-C.
Other names: short protein forms Q413P.
Identifiers: ClinVar variation 2104903 (VCV002104903.4), dbSNP rs2102058357, ClinGen allele CA344077901.

ClinVar aggregate classification (germline): Uncertain significance (1 of 4 stars; one submission).

Conditions:
Parathyroid carcinoma (PRTC). Also called: CDC73-Related Parathyroid Carcinoma; Parathyroid gland carcinoma. Identifiers: Orphanet 143, MedGen C0687150, MONDO:0012004, OMIM 608266, HP:0006780.

Submission:

Labcorp Genetics (formerly Invitae), Labcorp
Classification: Uncertain significance for Parathyroid carcinoma. Last evaluated: 2022-02-28. Review status: criteria provided, single submitter. Criteria: Invitae Variant Classification Sherloc (09022015). Collection method: clinical testing. Allele origin: germline.
Comment: This sequence change replaces glutamine, which is neutral and polar, with proline, which is neutral and non-polar, at codon 413 of the CDC73 protein (p.Gln413Pro). This variant is not present in population databases (gnomAD no frequency). This variant has not been reported in the literature in individuals affected with CDC73-related conditions. Algorithms developed to predict the effect of missense changes on protein structure and function are either unavailable or do not agree on the potential impact of this missense change (SIFT: "Deleterious"; PolyPhen-2: "Probably Damaging"; Align-GVGD: "Class C0"). In summary, the available evidence is currently insufficient to determine the role of this variant in disease. Therefore, it has been classified as a Variant of Uncertain Significance.